The following is an entry in ClinVar:

ClinVar aggregate classification (germline): Likely benign. Review status: criteria provided, multiple submitters, no conflicts (2 of 4 stars). 4 submissions from 4 submitters: Likely benign (4). Last evaluated 2026-01-04.

Conditions:
Catecholaminergic polymorphic ventricular tachycardia (CVPT). Also called: Catecholamine-induced polymorphic ventricular tachycardia. Identifiers: Orphanet 3286, MedGen C5574922, MONDO:0017990.
Cardiomyopathy (CMYO). Also called: Cardiomyopathies. Identifiers: Orphanet 167848, MedGen C0878544, MONDO:0004994, HP:0001638. Inheritance: Various modes of inheritance.
Catecholaminergic polymorphic ventricular tachycardia 1. Also called: VENTRICULAR TACHYCARDIA, CATECHOLAMINERGIC POLYMORPHIC, 1, WITH OR WITHOUT ATRIAL DYSFUNCTION AND/OR DILATED CARDIOMYOPATHY; RYR2-Related Catecholaminergic Polymorphic Ventricular Tachycardia; VENTRICULAR TACHYCARDIA, STRESS-INDUCED POLYMORPHIC 1. Identifiers: Orphanet 3286, MedGen C1631597, MONDO:0011484, OMIM 604772.
Cardiovascular phenotype. Identifiers: MedGen CN230736.

Allele frequency attached by ClinVar (database versions not stated): TOPMed 0.00001; gnomAD exomes 0.00002; ExAC 0.00004.
gnomAD v4.1: 16 of 1,609,130 alleles (0.00099%); highest among the groups gnomAD compares: Non-Finnish European, 0.0013%; no homozygotes.

Submissions (4):

Labcorp Genetics (formerly Invitae), Labcorp
Classification: Likely benign for Catecholaminergic polymorphic ventricular tachycardia 1. Last evaluated: 2026-01-04. Review status: criteria provided, single submitter. Criteria: Invitae Variant Classification Sherloc (09022015). Collection method: clinical testing. Allele origin: germline.

Ambry Genetics
Classification: Likely benign for Cardiovascular phenotype. Last evaluated: 2024-05-06. Review status: criteria provided, single submitter. Criteria: Ambry Variant Classification Scheme 2023. Collection method: clinical testing. Allele origin: germline.

All of Us Research Program, National Institutes of Health
Classification: Likely benign for Catecholaminergic polymorphic ventricular tachycardia. Last evaluated: 2023-06-28. Review status: criteria provided, single submitter. Criteria: ACMG Guidelines, 2015. Collection method: clinical testing. Allele origin: germline. Inheritance: Autosomal dominant inheritance. Observed: 2 variant alleles, 2 heterozygotes.
Comment: This study involves interpretation of variants in research participants for the purpose of population health screening. Participant phenotype was not available at the time of variant classification. Additional details can be found in publication PMID: 35346344, PMCID: PMC8962531

Color Diagnostics, LLC DBA Color Health
Classification: Likely benign for Cardiomyopathy. Last evaluated: 2022-11-06. Review status: criteria provided, single submitter. Criteria: ACMG Guidelines, 2015. Collection method: clinical testing. Allele origin: germline.

NM_001035.3(RYR2):c.3093C>T (p.Arg1031=)

Gene: RYR2 (ryanodine receptor 2; plus strand). Cytogenetic location: 1q43.
Variant type: single nucleotide variant.
Coding change: c.3093C>T on transcript NM_001035.3 (MANE Select); coding-DNA position 3093, C replaced by T.
Protein change: p.Arg1031=; no amino-acid change (arginine 1031 retained).
Molecular consequence: synonymous variant.
Genome position (GRCh38, 1-based): chr1:237,550,570, C>T. VCF-style: chr1-237550570-C-T. GRCh37 (hg19) VCF-style: chr1-237713870-C-T.
Other names: c.3093C>T, p.Arg1031= (LRG_402t1).
Identifiers: ClinVar variation 532417 (VCV000532417.13), dbSNP rs775738392, ClinGen allele CA086296.